The following is an entry in ClinVar:

ClinVar aggregate classification (germline): Uncertain significance (1 of 4 stars; one submission).

Conditions:
PPP1CB-related disorder. Also called: PPP1CB-related condition.

Submission:

PreventionGenetics, part of Exact Sciences
Classification: Uncertain significance for PPP1CB-related condition. Last evaluated: 2026-06-02. Review status: criteria provided, single submitter. Criteria: ACMG Guidelines, 2015. Collection method: clinical testing. Allele origin: germline.
Comment: The PPP1CB c.280G>C variant is predicted to result in the amino acid substitution p.Asp94His. This variant has been reported de novo in an individual with mild to moderate neurodevelopmental delay and comorbidities, generalized tonic-clonic seizures, and congenital heart defects (Wu et al. 2024. PubMed ID: 38764027, Supp File 4). This variant has not been reported in a large population database (gnomAD), indicating this variant is rare. Although we suspect that this variant may be pathogenic, at this time, the clinical significance of this variant is uncertain due to the absence of conclusive functional and genetic evidence.

NM_002709.3(PPP1CB):c.280G>C (p.Asp94His)

Gene: PPP1CB (protein phosphatase 1 catalytic subunit beta; plus strand). Cytogenetic location: 2p23.2.
Variant type: single nucleotide variant.
Coding change: c.280G>C on transcript NM_002709.3 (MANE Select); coding-DNA position 280, G replaced by C.
Protein change: p.Asp94His; replaces aspartic acid 94 with histidine.
Molecular consequence: missense variant.
Genome position (GRCh38, 1-based): chr2:28,778,904, G>C. VCF-style: chr2-28778904-G-C. GRCh37 (hg19) VCF-style: chr2-29001770-G-C.
Other names: c.280G>C, p.Asp94His (NM_206876.2); short protein forms D94H.
Identifiers: ClinVar variation 2629844 (VCV002629844.2), dbSNP rs2465728051, ClinGen allele CA346581543.
Genomic context (GRCh38, chr2:28,778,904, plus strand): 5'-TTATTTGAATATGGAGGTTTCCCACCAGAAGCCAACTATCTTTTCTTAGGAGATTATGTG[G>C]ACAGAGGAAAGCAGTCTTTGGAAACCATTTGTTTGCTATTGGCTTATAAAATCAAATATC-3'
Protein context (NP_002700.1, residues 84-104): ANYLFLGDYV[Asp94His]RGKQSLETIC